The following is an entry in ClinVar:

NM_005619.5(RTN2):c.560-8C>T

Genes: OPA3-RTN2 (OPA3-RTN2 readthrough; minus strand), RTN2 (reticulon 2; minus strand). Cytogenetic location: 19q13.32.
Variant type: single nucleotide variant.
Coding change: c.560-8C>T on transcript NM_005619.5 (MANE Select); 8 bases into the intron before coding-DNA position 560, C replaced by T.
Molecular consequence: intron variant.
Genome position (GRCh38, 1-based): chr19:45,494,428, G>A on the plus strand (C>T on the coding strand, the complement: RTN2 is on the minus strand). VCF-style: chr19-45494428-G-A. GRCh37 (hg19) VCF-style: chr19-45997686-G-A.
Other names: p.?; c.560-8C>T (NM_206900.3).
Identifiers: ClinVar variation 1601783 (VCV001601783.9), dbSNP rs200744554, ClinGen allele CA9516220.

ClinVar aggregate classification (germline): Benign/Likely benign. Review status: criteria provided, multiple submitters, no conflicts (2 of 4 stars). 2 submissions from 2 submitters: Benign (1); Likely benign (1). Last evaluated 2025-10-05.

Conditions:
Spastic paraplegia. Identifiers: MedGen C0037772, HP:0001258.

Allele frequency attached by ClinVar (database versions not stated): gnomAD exomes 0.00003 and 0.00007; ExAC 0.00010; ESP Exome Variant Server 0.00031; gnomAD 0.00031; TOPMed 0.00036; 1000 Genomes Project 0.00100; 1000 Genomes Project 30x 0.00125.
gnomAD v4.1: 94 of 1,607,916 alleles (0.0058%); highest among the groups gnomAD compares: African/African-American, 0.11%; no homozygotes.

Submissions (2):

Mayo Clinic Laboratories, Mayo Clinic
Classification: Likely benign. Last evaluated: 2025-10-05. Review status: criteria provided, single submitter. Criteria: ACMG Guidelines, 2015. Collection method: clinical testing. Allele origin: germline. Observed: 1 variant allele.
Comment: BS1, BP4, BP7

Labcorp Genetics (formerly Invitae), Labcorp
Classification: Benign for Spastic paraplegia. Last evaluated: 2022-07-25. Review status: criteria provided, single submitter. Criteria: Invitae Variant Classification Sherloc (09022015). Collection method: clinical testing. Allele origin: germline.